The following is an entry in ClinVar:

ClinVar aggregate classification (germline): Uncertain significance (1 of 4 stars; one submission).

Submission:

Labcorp Genetics (formerly Invitae), Labcorp
Classification: Uncertain significance. Last evaluated: 2024-02-15. Review status: criteria provided, single submitter. Criteria: Invitae Variant Classification Sherloc (09022015). Collection method: clinical testing. Allele origin: germline.
Comment: This sequence change replaces serine, which is neutral and polar, with isoleucine, which is neutral and non-polar, at codon 184 of the NTHL1 protein (p.Ser184Ile). Information on the frequency of this variant in the gnomAD database is not available, as this variant may be reported differently in the database. This variant has not been reported in the literature in individuals affected with NTHL1-related conditions. An algorithm developed to predict the effect of missense changes on protein structure and function (PolyPhen-2) suggests that this variant is likely to be tolerated. In summary, the available evidence is currently insufficient to determine the role of this variant in disease. Therefore, it has been classified as a Variant of Uncertain Significance.

NM_002528.7(NTHL1):c.527_528delinsTT (p.Ser176Ile)

Gene: NTHL1 (nth like DNA glycosylase 1; minus strand). Cytogenetic location: 16p13.3.
Variant type: Indel.
Coding change: c.527_528delinsTT on transcript NM_002528.7 (MANE Select); coding-DNA positions 527 to 528, GC replaced by TT.
Protein change: p.Ser176Ile; replaces serine 176 with isoleucine.
Molecular consequence: missense variant.
Genome position (GRCh38, 1-based): chr16:2,043,724-2,043,725, GC replaced by AA on the plus strand (GC replaced by TT on the coding strand, the reverse complement: NTHL1 is on the minus strand). VCF-style: chr16-2043724-GC-AA. GRCh37 (hg19) VCF-style: chr16-2093725-GC-AA.
Other names: c.356_357delinsTT, p.Ser119Ile (NM_001318193.2); c.197_198delinsTT, p.Ser66Ile (NM_001318194.2); short protein forms S119I, S176I, S66I.
Identifiers: ClinVar variation 3641117 (VCV003641117.2).
Genomic context (GRCh38, chr16:2,043,724, plus strand): 5'-GATGTCCCCACCGTAGTGCTGCTGCAGGATGGCGCTGGTCTGCTTGATGTATTTCACCTT[GC>AA]TCTGAAAGACAGGGGTGGGTTCAGCCTTGGAGGCAAGGGCACAGCCCAACCTGGGAGGAT-3'
Protein context (NP_002519.2, residues 166-186): KLIYPVGFWR[Ser176Ile]KVKYIKQTSA